The following is an entry in ClinVar:

NM_005159.5(ACTC1):c.158A>T (p.Asp53Val)

Genes: ACTC1 (actin alpha cardiac muscle 1; minus strand), GJD2-DT (GJD2 divergent transcript; plus strand). Cytogenetic location: 15q14.
Variant type: single nucleotide variant.
Coding change: c.158A>T on transcript NM_005159.5 (MANE Select); coding-DNA position 158, A replaced by T.
Protein change: p.Asp53Val; replaces aspartic acid 53 with valine.
Molecular consequence: missense variant.
Genome position (GRCh38, 1-based): chr15:34,793,541, T>A on the plus strand (A>T on the coding strand, the complement: ACTC1 is on the minus strand). VCF-style: chr15-34793541-T-A. GRCh37 (hg19) VCF-style: chr15-35085742-T-A.
Other names: c.158A>T (LRG_388t1); short protein forms D53V.
Identifiers: ClinVar variation 518931 (VCV000518931.9), dbSNP rs1555418919, ClinGen allele CA391632176.

ClinVar aggregate classification (germline): Uncertain significance. Review status: criteria provided, multiple submitters, no conflicts (2 of 4 stars). 3 submissions from 3 submitters: Uncertain significance (3). Last evaluated 2024-12-04.

Conditions:
Cardiovascular phenotype. Identifiers: MedGen CN230736.
Hypertrophic cardiomyopathy 11. Also called: ACTC1-Related Familial Hypertrophic Cardiomyopathy. Identifiers: MedGen C2677506, MONDO:0012799, OMIM 612098.
Dilated cardiomyopathy 1R (CMD1R). Identifiers: Orphanet 154, Orphanet 54260, MedGen C3150681, MONDO:0013261, OMIM 613424.
Atrial septal defect 5 (ASD5). Identifiers: Orphanet 1478, MedGen C2748552, MONDO:0013011, OMIM 612794.

Submissions (3):

Labcorp Genetics (formerly Invitae), Labcorp
Classification: Uncertain significance for Dilated cardiomyopathy 1R; Hypertrophic cardiomyopathy 11; Atrial septal defect 5. Last evaluated: 2024-12-04. Review status: criteria provided, single submitter. Criteria: Invitae Variant Classification Sherloc (09022015). Collection method: clinical testing. Allele origin: germline.
Comment: This sequence change replaces aspartic acid, which is acidic and polar, with valine, which is neutral and non-polar, at codon 53 of the ACTC1 protein (p.Asp53Val). This variant is not present in population databases (gnomAD no frequency). This variant has not been reported in the literature in individuals affected with ACTC1-related conditions. ClinVar contains an entry for this variant (Variation ID: 518931). Invitae Evidence Modeling of protein sequence and biophysical properties (such as structural, functional, and spatial information, amino acid conservation, physicochemical variation, residue mobility, and thermodynamic stability) indicates that this missense variant is not expected to disrupt ACTC1 protein function with a negative predictive value of 80%. In summary, the available evidence is currently insufficient to determine the role of this variant in disease. Therefore, it has been classified as a Variant of Uncertain Significance.

GeneDx
Classification: Uncertain significance. Last evaluated: 2021-02-24. Review status: criteria provided, single submitter. Criteria: GeneDx Variant Classification Process June 2021. Collection method: clinical testing. Allele origin: germline. Affected: yes.
Comment: Has not been previously published as pathogenic or benign to our knowledge; Reported in ClinVar as a variant of uncertain significance (ClinVar Variant ID# 1776022; Landrum et al., 2016); Not observed in large population cohorts (Lek et al., 2016); In silico analysis supports that this missense variant has a deleterious effect on protein structure/function

Ambry Genetics
Classification: Uncertain significance for Cardiovascular phenotype. Last evaluated: 2016-07-14. Review status: criteria provided, single submitter. Criteria: Ambry Variant Classification Scheme 2023. Collection method: clinical testing. Allele origin: germline.
Comment: The p.D53V variant (also known as c.158A>T), located in coding exon 2 of the ACTC1 gene, results from an A to T substitution at nucleotide position 158. The aspartic acid at codon 53 is replaced by valine, an amino acid with highly dissimilar properties. This variant was not reported in population based cohorts in the following databases: Database of Single Nucleotide Polymorphisms (dbSNP), Exome Aggregation Consortium (ExAC), NHLBI Exome Sequencing Project (ESP), and 1000 Genomes Project. In the ESP, this variant was not observed in 6499 samples (12998 alleles) with coverage at this position. This amino acid position is highly conserved in available vertebrate species. In addition, this alteration is predicted to be deleterious by in silico analysis. Since supporting evidence is limited at this time, the clinical significance of this alteration remains unclear.